The following is an entry in ClinVar:

ClinVar aggregate classification (germline): Uncertain significance (1 of 4 stars; one submission).

Conditions:
Symmetrical dyschromatosis of extremities (DSH). Also called: RETICULATE ACROPIGMENTATION OF DOHI; SYMMETRIC DYSCHROMATOSIS OF THE EXTREMITIES; DYSCHROMATOSIS SYMMETRICA HEREDITARIA 1; Dyschromatosis symmetrica hereditaria. Identifiers: Orphanet 41, MedGen C0406775, MONDO:0007483, OMIM 127400.
Aicardi-Goutieres syndrome 6 (AGS6). Identifiers: Orphanet 51, MedGen C3539013, MONDO:0014007, OMIM 615010.

Submission:

Labcorp Genetics (formerly Invitae), Labcorp
Classification: Uncertain significance for Aicardi-Goutieres syndrome 6; Symmetrical dyschromatosis of extremities. Last evaluated: 2022-08-23. Review status: criteria provided, single submitter. Criteria: Invitae Variant Classification Sherloc (09022015). Collection method: clinical testing. Allele origin: germline.
Comment: ClinVar contains an entry for this variant (Variation ID: 1037597). This variant has not been reported in the literature in individuals affected with ADAR-related conditions. This variant is not present in population databases (gnomAD no frequency). This sequence change replaces leucine, which is neutral and non-polar, with serine, which is neutral and polar, at codon 509 of the ADAR protein (p.Leu509Ser). Algorithms developed to predict the effect of missense changes on protein structure and function are either unavailable or do not agree on the potential impact of this missense change (SIFT: "Tolerated"; PolyPhen-2: "Probably Damaging"; Align-GVGD: "Class C0"). In summary, the available evidence is currently insufficient to determine the role of this variant in disease. Therefore, it has been classified as a Variant of Uncertain Significance.

NM_001111.5(ADAR):c.1526T>C (p.Leu509Ser)

Gene: ADAR (adenosine deaminase RNA specific; minus strand). Cytogenetic location: 1q21.3.
Variant type: single nucleotide variant.
Coding change: c.1526T>C on transcript NM_001111.5 (MANE Select); coding-DNA position 1526, T replaced by C.
Protein change: p.Leu509Ser; replaces leucine 509 with serine.
Molecular consequence: missense variant.
Genome position (GRCh38, 1-based): chr1:154,601,116, A>G on the plus strand (T>C on the coding strand, the complement: ADAR is on the minus strand). VCF-style: chr1-154601116-A-G. GRCh37 (hg19) VCF-style: chr1-154573592-A-G.
Other names: c.641T>C, p.Leu214Ser (NM_001193495.2, NM_001365046.1, NM_001365047.1 and 3 more transcripts); c.1553T>C, p.Leu518Ser (NM_001365045.1); c.1526T>C, p.Leu509Ser (NM_015840.4, NM_015841.4); short protein forms L214S, L518S, L509S.
Identifiers: ClinVar variation 1037597 (VCV001037597.8), dbSNP rs1697844160, ClinGen allele CA342596082.
Genomic context (GRCh38, chr1:154,601,116, plus strand): 5'-GGTCCACTCTGCTCTATCATGTTGAACTCACAGGTTTGACTAGCGAACTGGGCATATTCT[A>G]ACAGCCCGCTGATGGGGTTCTTCAGCTGGCACTCTGTCAGTTTCTTGTAGGGTGAACACC-3'
Protein context (NP_001102.3, residues 499-519): CQLKNPISGL[Leu509Ser]EYAQFASQTC